The following is an entry in ClinVar:

NM_007294.3(BRCA1):c.*6207C>T

Gene: BRCA1 (BRCA1 DNA repair associated; minus strand). Cytogenetic location: 17q21.31.
Variant type: single nucleotide variant.
Coding change: c.*6207C>T on transcript NM_007294.3; 6207 bases downstream of the stop codon, C replaced by T.
Genome position (GRCh38, 1-based): chr17:43,039,471, G>A on the plus strand (C>T on the coding strand, the complement: BRCA1 is on the minus strand). VCF-style: chr17-43039471-G-A. GRCh37 (hg19) VCF-style: chr17-41191488-G-A.
Other names: 11918 C>T.
Identifiers: ClinVar variation 209219 (VCV000209219.3), dbSNP rs78603756, ClinGen allele CA276195.
Genomic context (GRCh38, chr17:43,039,471, plus strand): 5'-ATTCTAAGTGGGGAGAGATTCTGGCCTAGAAAACCTGGAGAAGGCTCTGTAGGGGTGAGC[G>A]GGAAGGATTGGGGCCTGTAGAGATGACAGATCAGGACTTGCCTAGTAGAACATAGAGTAT-3'

ClinVar aggregate classification (germline): Benign (3 of 4 stars; one submission).

Conditions:
Breast-ovarian cancer, familial, susceptibility to, 1 (BROVCA1). Also called: OVARIAN CANCER, SUSCEPTIBILITY TO; BRCA1 Hereditary Breast and Ovarian Cancer. Identifiers: Orphanet 145, MedGen C2676676, MONDO:0011450, OMIM 604370. Disease mechanism: loss of function.

Allele frequency attached by ClinVar (database versions not stated): gnomAD 0.00128 and 0.00155; TOPMed 0.00156; 1000 Genomes Project 0.00679; 1000 Genomes Project 30x 0.00703.

Submission:

Evidence-based Network for the Interpretation of Germline Mutant Alleles (ENIGMA)
Classification: Benign for Breast-ovarian cancer, familial 1. Last evaluated: 2015-01-12. Review status: reviewed by expert panel. Criteria: ENIGMA BRCA1/2 Classification Criteria (2015). Collection method: curation. Allele origin: germline.
Comment: Class 1 not pathogenic based on frequency >1% in an outbred sampleset. Frequency 0.02 (Asian), derived from 1000 genomes (2012-04-30).